The following is an entry in ClinVar:

NM_020549.5(CHAT):c.232A>C (p.Thr78Pro)

Gene: CHAT (choline O-acetyltransferase; plus strand). Cytogenetic location: 10q11.23.
Variant type: single nucleotide variant.
Coding change: c.232A>C on transcript NM_020549.5 (MANE Select); coding-DNA position 232, A replaced by C.
Protein change: p.Thr78Pro; replaces threonine 78 with proline.
Molecular consequence: missense variant. On other transcripts: 5 prime UTR variant (4), intron variant (2).
Genome position (GRCh38, 1-based): chr10:49,614,421, A>C. VCF-style: chr10-49614421-A-C. GRCh37 (hg19) VCF-style: chr10-50822467-A-C.
Other names: c.-123A>C (NM_001142929.2, NM_020985.4); c.-85A>C (NM_001142933.2); c.-193A>C (NM_001142934.2); c.-68-2081A>C (NM_020984.4); c.-69+1219A>C (NM_020986.4); short protein forms T78P.
Identifiers: ClinVar variation 850976 (VCV000850976.8), dbSNP rs1217500618, ClinGen allele CA376725376.

ClinVar aggregate classification (germline): Uncertain significance (1 of 4 stars; one submission).

Conditions:
Familial infantile myasthenia (CMS6). Also called: MYASTHENIC SYNDROME, CONGENITAL, 6, PRESYNAPTIC; Congenital myasthenic syndrome type 6; MYASTHENIC SYNDROME, PRESYNAPTIC, CONGENITAL, ASSOCIATED WITH EPISODIC APNEA. Identifiers: Orphanet 590, MedGen C0393929, MONDO:0009689, OMIM 254210.

Allele frequency attached by ClinVar (database versions not stated): TOPMed 0.00002.

Submission:

Labcorp Genetics (formerly Invitae), Labcorp
Classification: Uncertain significance for Familial infantile myasthenia. Last evaluated: 2025-04-07. Review status: criteria provided, single submitter. Criteria: Invitae Variant Classification Sherloc (09022015). Collection method: clinical testing. Allele origin: germline.
Comment: This sequence change replaces threonine, which is neutral and polar, with proline, which is neutral and non-polar, at codon 78 of the CHAT protein (p.Thr78Pro). This variant is not present in population databases (gnomAD no frequency). This variant has not been reported in the literature in individuals affected with CHAT-related conditions. ClinVar contains an entry for this variant (Variation ID: 850976). Invitae Evidence Modeling of protein sequence and biophysical properties (such as structural, functional, and spatial information, amino acid conservation, physicochemical variation, residue mobility, and thermodynamic stability) indicates that this missense variant is not expected to disrupt CHAT protein function with a negative predictive value of 95%. In summary, the available evidence is currently insufficient to determine the role of this variant in disease. Therefore, it has been classified as a Variant of Uncertain Significance.